The following is an entry in ClinVar:

ClinVar aggregate classification (germline): Pathogenic (1 of 4 stars; one submission).

Submission:

Labcorp Genetics (formerly Invitae), Labcorp
Classification: Pathogenic. Last evaluated: 2024-01-14. Review status: criteria provided, single submitter. Criteria: Invitae Variant Classification Sherloc (09022015). Collection method: clinical testing. Allele origin: germline.
Comment: This sequence change creates a premature translational stop signal (p.Glu616Lysfs*20) in the NAA15 gene. It is expected to result in an absent or disrupted protein product. Loss-of-function variants in NAA15 are known to be pathogenic (PMID: 28191889, 29656860). This variant is not present in population databases (gnomAD no frequency). This variant has not been reported in the literature in individuals affected with NAA15-related conditions. For these reasons, this variant has been classified as Pathogenic.

Literature cited by the submitters: PubMed 28191889; PubMed 29656860.

NM_057175.5(NAA15):c.1846del (p.Glu616fs)

Gene: NAA15 (N-alpha-acetyltransferase 15, NatA auxiliary subunit; plus strand). Cytogenetic location: 4q31.1.
Variant type: Deletion.
Coding change: c.1846del on transcript NM_057175.5 (MANE Select); coding-DNA position 1846, one base deleted (G; older notation c.1846delG).
Protein change: p.Glu616fs; shifts the reading frame from glutamic acid 616.
Molecular consequence: frameshift variant.
Genome position (GRCh38, 1-based): chr4:139,370,303, G deleted. VCF-style (leftmost placement, unchanged base first): chr4-139370302-AG-A. GRCh37 (hg19) VCF-style: chr4-140291456-AG-A.
Other names: c.1846del, p.Glu616fs (NM_001410842.1); c.*255delG (NM_025085.2); short protein forms E616fs.
Identifiers: ClinVar variation 2709342 (VCV002709342.3), dbSNP rs2530441729, ClinGen allele CA2697546942.
Genomic context (GRCh38, chr4:139,370,302, plus strand): 5'-ACGTAATAAACAAAGAAGAGCTCAAAAGAAAGCCCAGATAGAAGAAGAGAAAAAAAATGC[AG>A]AAAAAGAAAAGCAGCAGAGAAATCAGAAAAAGAAGAAGGATGATGATGATGAGGAGATAG-3'